The following is an entry in ClinVar:

NM_201384.3(PLEC):c.5014G>A (p.Glu1672Lys)

Gene: PLEC (plectin; minus strand). Cytogenetic location: 8q24.3.
Variant type: single nucleotide variant.
Coding change: c.5014G>A on transcript NM_201384.3 (MANE Select); coding-DNA position 5014, G replaced by A.
Protein change: p.Glu1672Lys; replaces glutamic acid 1672 with lysine.
Molecular consequence: missense variant.
Genome position (GRCh38, 1-based): chr8:143,924,915, C>T on the plus strand (G>A on the coding strand, the complement: PLEC is on the minus strand). VCF-style: chr8-143924915-C-T. GRCh37 (hg19) VCF-style: chr8-144999083-C-T.
Other names: p.Glu1699Lys; c.5095G>A, p.Glu1699Lys (NM_000445.5); c.4972G>A, p.Glu1658Lys (NM_201378.4); c.4948G>A, p.Glu1650Lys (NM_201379.3); c.5425G>A, p.Glu1809Lys (NM_201380.4); c.4918G>A, p.Glu1640Lys (NM_201381.3); c.5014G>A, p.Glu1672Lys (NM_201382.4); c.5026G>A, p.Glu1676Lys (NM_201383.3); and 1 more; short protein forms E1809K, E1640K, E1699K, E1658K, E1650K, E1672K, E1676K.
Identifiers: ClinVar variation 471599 (VCV000471599.17), dbSNP rs782791575, ClinGen allele CA4926462.

ClinVar aggregate classification (germline): Uncertain significance. Review status: criteria provided, multiple submitters, no conflicts (2 of 4 stars). 5 submissions from 5 submitters: Uncertain significance (5). Last evaluated 2025-05-31.

Conditions:
PLEC-related disorder. Also called: PLEC-related disorders; PLEC-related condition.
Autosomal recessive limb-girdle muscular dystrophy type 2Q (LGMDR17). Also called: MUSCULAR DYSTROPHY, LIMB-GIRDLE, AUTOSOMAL RECESSIVE 17. Identifiers: Orphanet 254361, MedGen C3150989, MONDO:0013390, OMIM 613723.
Epidermolysis bullosa simplex with nail dystrophy (EBS5D). Identifiers: MedGen C4225309, MONDO:0014661, OMIM 616487.
Epidermolysis bullosa simplex 5C, with pyloric atresia (EBS5C). Also called: PLEC-Related Epidermolysis Bullosa with Pyloric Atresia; Epidermolysis bullosa simplex with pyloric atresia; PLEC1-Related Epidermolysis Bullosa with Pyloric Atresia. Identifiers: Orphanet 158684, MedGen C2677349, MONDO:0012807, OMIM 612138.
Epidermolysis bullosa simplex, Ogna type (EBS5A). Also called: Pidermolysis bullosa simplex 5A, Ogna type; EPIDERMOLYSIS BULLOSA SIMPLEX 5A, OGNA TYPE. Identifiers: Orphanet 79401, MedGen C0432317, MONDO:0007555, OMIM 131950.
Epidermolysis bullosa simplex 5B, with muscular dystrophy (EBS5B). Also called: EPIDERMOLYSIS BULLOSA SIMPLEX AND LIMB-GIRDLE MUSCULAR DYSTROPHY; Epidermolysis bullosa simplex with muscular dystrophy. Identifiers: Orphanet 257, MedGen C2931072, MONDO:0009181, OMIM 226670.

Allele frequency attached by ClinVar (database versions not stated): gnomAD exomes 0.00002 and 0.00003; ExAC 0.00004; gnomAD 0.00004 and 0.00009; TOPMed 0.00010.
gnomAD v4.1: 62 of 1,585,032 alleles (0.0039%); highest among the groups gnomAD compares: Non-Finnish European, 0.004%; no homozygotes.

Submissions (5):

PreventionGenetics, part of Exact Sciences
Classification: Uncertain significance for PLEC-related condition. Last evaluated: 2025-05-31. Review status: criteria provided, single submitter. Criteria: ACMG Guidelines, 2015. Collection method: clinical testing. Allele origin: germline.
Comment: The PLEC c.5095G>A variant is predicted to result in the amino acid substitution p.Glu1699Lys. To our knowledge, this variant has not been reported in the literature. This variant is reported in 0.0062% of alleles in individuals of East Asian descent in gnomAD. At this time, the clinical significance of this variant is uncertain due to the absence of conclusive functional and genetic evidence.

Labcorp Genetics (formerly Invitae), Labcorp
Classification: Uncertain significance for Autosomal recessive limb-girdle muscular dystrophy type 2Q; Epidermolysis bullosa simplex, Ogna type; Epidermolysis bullosa simplex with nail dystrophy; Epidermolysis bullosa simplex 5C, with pyloric atresia; Epidermolysis bullosa simplex 5B, with muscular dystrophy. Last evaluated: 2025-05-17. Review status: criteria provided, single submitter. Criteria: Invitae Variant Classification Sherloc (09022015). Collection method: clinical testing. Allele origin: germline.
Comment: This sequence change replaces glutamic acid, which is acidic and polar, with lysine, which is basic and polar, at codon 1699 of the PLEC protein (p.Glu1699Lys). This variant is present in population databases (rs782791575, gnomAD 0.006%). This variant has not been reported in the literature in individuals affected with PLEC-related conditions. ClinVar contains an entry for this variant (Variation ID: 471599). Experimental studies and prediction algorithms are not available or were not evaluated, and the functional significance of this variant is currently unknown. In summary, the available evidence is currently insufficient to determine the role of this variant in disease. Therefore, it has been classified as a Variant of Uncertain Significance.

Mayo Clinic Laboratories, Mayo Clinic
Classification: Uncertain significance. Last evaluated: 2021-06-10. Review status: criteria provided, single submitter. Criteria: ACMG Guidelines, 2015. Collection method: clinical testing. Allele origin: germline.

Revvity Omics, Revvity
Classification: Uncertain significance. Last evaluated: 2019-09-17. Review status: criteria provided, single submitter. Criteria: ACMG Guidelines, 2015. Collection method: clinical testing. Allele origin: germline.

Eurofins Ntd Llc (ga)
Classification: Uncertain significance. Last evaluated: 2017-09-14. Review status: criteria provided, single submitter. Criteria: EGL Classification Definitions 2015. Collection method: clinical testing. Allele origin: germline. Observed: 3 variant alleles, 3 heterozygotes.